The following is an entry in ClinVar:

NM_004341.5(CAD):c.5130G>A (p.Met1710Ile)

Gene: CAD (carbamoyl-phosphate synthetase 2, aspartate transcarbamylase, and dihydroorotase; plus strand). Cytogenetic location: 2p23.3.
Variant type: single nucleotide variant.
Coding change: c.5130G>A on transcript NM_004341.5 (MANE Select); coding-DNA position 5130, G replaced by A.
Protein change: p.Met1710Ile; replaces methionine 1710 with isoleucine.
Molecular consequence: missense variant.
Genome position (GRCh38, 1-based): chr2:27,239,109, G>A. VCF-style: chr2-27239109-G-A. GRCh37 (hg19) VCF-style: chr2-27461977-G-A.
Other names: c.5130G>A (NM_004341.3); c.4941G>A, p.Met1647Ile (NM_001306079.2); short protein forms M1647I, M1710I.
Identifiers: ClinVar variation 1406111 (VCV001406111.6), dbSNP rs201680947, ClinGen allele CA1573758.

ClinVar aggregate classification (germline): Uncertain significance. Review status: criteria provided, multiple submitters, no conflicts (2 of 4 stars). 3 submissions from 3 submitters: Uncertain significance (3). Last evaluated 2025-08-11.

Conditions:
Inborn genetic diseases. Identifiers: MedGen C0950123, MeSH D030342.

Allele frequency attached by ClinVar (database versions not stated): ESP Exome Variant Server 0.00008; 1000 Genomes Project 30x 0.00016.

Submissions (3):

Ambry Genetics
Classification: Uncertain significance for Inborn genetic diseases. Last evaluated: 2025-08-11. Review status: criteria provided, single submitter. Criteria: Ambry Variant Classification Scheme 2023. Collection method: clinical testing. Allele origin: germline.

Blueprint Genetics
Classification: Uncertain significance. Last evaluated: 2022-11-09. Review status: criteria provided, single submitter. Criteria: ACMG Guidelines, 2015. Collection method: clinical testing. Allele origin: germline.

Labcorp Genetics (formerly Invitae), Labcorp
Classification: Uncertain significance. Last evaluated: 2022-10-13. Review status: criteria provided, single submitter. Criteria: Invitae Variant Classification Sherloc (09022015). Collection method: clinical testing. Allele origin: germline.
Comment: This sequence change replaces methionine, which is neutral and non-polar, with isoleucine, which is neutral and non-polar, at codon 1710 of the CAD protein (p.Met1710Ile). This variant is present in population databases (rs201680947, gnomAD 0.01%). This variant has not been reported in the literature in individuals affected with CAD-related conditions. ClinVar contains an entry for this variant (Variation ID: 1406111). Algorithms developed to predict the effect of missense changes on protein structure and function (SIFT, PolyPhen-2, Align-GVGD) all suggest that this variant is likely to be tolerated. In summary, the available evidence is currently insufficient to determine the role of this variant in disease. Therefore, it has been classified as a Variant of Uncertain Significance.